The following is an entry in ClinVar:

NM_006361.6(HOXB13):c.44T>C (p.Ile15Thr)

Gene: HOXB13 (homeobox B13; minus strand). Cytogenetic location: 17q21.32.
Variant type: single nucleotide variant.
Coding change: c.44T>C on transcript NM_006361.6 (MANE Select); coding-DNA position 44, T replaced by C.
Protein change: p.Ile15Thr; replaces isoleucine 15 with threonine.
Molecular consequence: missense variant.
Genome position (GRCh38, 1-based): chr17:48,728,550, A>G on the plus strand (T>C on the coding strand, the complement: HOXB13 is on the minus strand). VCF-style: chr17-48728550-A-G. GRCh37 (hg19) VCF-style: chr17-46805912-A-G.
Other names: short protein forms I15T.
Identifiers: ClinVar variation 963707 (VCV000963707.12), dbSNP rs1167132244, ClinGen allele CA400109787.

ClinVar aggregate classification (germline): Uncertain significance. Review status: criteria provided, multiple submitters, no conflicts (2 of 4 stars). 2 submissions from 2 submitters: Uncertain significance (2). Last evaluated 2024-08-17.

Conditions:
Hereditary cancer-predisposing syndrome. Also called: Tumor predisposition; Hereditary neoplastic syndrome; Hereditary Cancer Syndrome; Neoplastic Syndromes, Hereditary. Identifiers: Orphanet 140162, MedGen C0027672, MeSH D009386, MONDO:0015356.

Submissions (2):

Labcorp Genetics (formerly Invitae), Labcorp
Classification: Uncertain significance. Last evaluated: 2024-08-17. Review status: criteria provided, single submitter. Criteria: Invitae Variant Classification Sherloc (09022015). Collection method: clinical testing. Allele origin: germline.
Comment: This sequence change replaces isoleucine, which is neutral and non-polar, with threonine, which is neutral and polar, at codon 15 of the HOXB13 protein (p.Ile15Thr). This variant is not present in population databases (gnomAD no frequency). This variant has not been reported in the literature in individuals affected with HOXB13-related conditions. ClinVar contains an entry for this variant (Variation ID: 963707). An algorithm developed to predict the effect of missense changes on protein structure and function (PolyPhen-2) suggests that this variant is likely to be tolerated. In summary, the available evidence is currently insufficient to determine the role of this variant in disease. Therefore, it has been classified as a Variant of Uncertain Significance.

Ambry Genetics
Classification: Uncertain significance for Hereditary cancer-predisposing syndrome. Last evaluated: 2022-02-15. Review status: criteria provided, single submitter. Criteria: Ambry Variant Classification Scheme 2023. Collection method: clinical testing. Allele origin: germline.
Comment: The p.I15T variant (also known as c.44T>C), located in coding exon 1 of the HOXB13 gene, results from a T to C substitution at nucleotide position 44. The isoleucine at codon 15 is replaced by threonine, an amino acid with similar properties. This amino acid position is conserved. In addition, the in silico prediction for this alteration is inconclusive. Since supporting evidence is limited at this time, the clinical significance of this alteration remains unclear.